The following is an entry in ClinVar:

ClinVar aggregate classification (germline): Uncertain significance (1 of 4 stars; one submission).

Conditions:
Neuropathy, hereditary sensory and autonomic, type 2A (HSAN2A). Also called: WNK1-Related HSAN2 (HSAN2A); ACROOSTEOLYSIS, GIACCAI TYPE; ACROOSTEOLYSIS, NEUROGENIC; HSAN IIA; NEUROPATHY, CONGENITAL SENSORY; NEUROPATHY, HEREDITARY SENSORY RADICULAR, AUTOSOMAL RECESSIVE. Identifiers: Orphanet 970, MedGen C2752089, MONDO:0024309, OMIM 201300.
Generalized epilepsy with febrile seizures plus, type 7 (GEFSP7). Also called: GEFS+, TYPE 7. Identifiers: Orphanet 36387, MedGen C2751778, MONDO:0013470, OMIM 613863.

Allele frequency attached by ClinVar (database versions not stated): gnomAD 0.00001; gnomAD exomes 0.00001; TOPMed 0.00001.
gnomAD v4.1: 19 of 1,613,842 alleles (0.0012%); highest among the groups gnomAD compares: Non-Finnish European, 0.0016%; no homozygotes.

Submission:

Labcorp Genetics (formerly Invitae), Labcorp
Classification: Uncertain significance for Neuropathy, hereditary sensory and autonomic, type 2A; Generalized epilepsy with febrile seizures plus, type 7. Last evaluated: 2026-01-05. Review status: criteria provided, single submitter. Criteria: Invitae Variant Classification Sherloc (09022015). Collection method: clinical testing. Allele origin: germline.
Comment: This sequence change replaces arginine, which is basic and polar, with threonine, which is neutral and polar, at codon 1605 of the SCN9A protein (p.Arg1605Thr). This variant is present in population databases (rs754670164, gnomAD 0.0009%). This variant has not been reported in the literature in individuals affected with SCN9A-related conditions. ClinVar contains an entry for this variant (Variation ID: 937638). Invitae Evidence Modeling of protein sequence and biophysical properties (such as structural, functional, and spatial information, amino acid conservation, physicochemical variation, residue mobility, and thermodynamic stability) has been performed for this missense variant. However, the output from this modeling did not meet the statistical confidence thresholds required to predict the impact of this variant on SCN9A protein function. In summary, the available evidence is currently insufficient to determine the role of this variant in disease. Therefore, it has been classified as a Variant of Uncertain Significance.

NM_001365536.1(SCN9A):c.4847G>C (p.Arg1616Thr)

Genes: SCN1A-AS1 (SCN1A and SCN9A antisense RNA 1; plus strand), SCN9A (sodium voltage-gated channel alpha subunit 9; minus strand). Cytogenetic location: 2q24.3.
Variant type: single nucleotide variant.
Coding change: c.4847G>C on transcript NM_001365536.1 (MANE Select); coding-DNA position 4847, G replaced by C.
Protein change: p.Arg1616Thr; replaces arginine 1616 with threonine.
Molecular consequence: missense variant. On other transcripts: non-coding transcript variant (1).
Genome position (GRCh38, 1-based): chr2:166,199,792, C>G on the plus strand (G>C on the coding strand, the complement: SCN9A is on the minus strand). VCF-style: chr2-166199792-C-G. GRCh37 (hg19) VCF-style: chr2-167056302-C-G.
Other names: c.4814G>C, p.Arg1605Thr (NM_002977.4); short protein forms R1605T, R1616T.
Identifiers: ClinVar variation 937638 (VCV000937638.8), dbSNP rs754670164, ClinGen allele CA1943762.
Genomic context (GRCh38, chr2:166,199,792, plus strand): 5'-GCAAAGAGCAGCGTGCGGATCCCCTTTGCTCCTTTGACTAGACGTAGGATTCGGCCAATC[C>G]TGGCAAGACGGATCACTCGGAACAGGGTAGGGGACACAAAATACGTTTCAATCAAATCAG-3'
Protein context (NP_001352465.1, residues 1606-1626): PTLFRVIRLA[Arg1616Thr]IGRILRLVKG